The following is an entry in ClinVar:

NM_015559.3(SETBP1):c.1634A>T (p.Glu545Val)

Gene: SETBP1 (SET binding protein 1; plus strand). Cytogenetic location: 18q12.3.
Variant type: single nucleotide variant.
Coding change: c.1634A>T on transcript NM_015559.3 (MANE Select); coding-DNA position 1634, A replaced by T.
Protein change: p.Glu545Val; replaces glutamic acid 545 with valine.
Molecular consequence: missense variant.
Genome position (GRCh38, 1-based): chr18:44,950,974, A>T. VCF-style: chr18-44950974-A-T. GRCh37 (hg19) VCF-style: chr18-42530939-A-T.
Other names: c.1634A>T, p.Glu545Val (NM_001379141.1, NM_001379142.1, NM_001410862.1); short protein forms E545V.
Identifiers: ClinVar variation 2692550 (VCV002692550.1), dbSNP rs2511468531, ClinGen allele CA402318946.
Genomic context (GRCh38, chr18:44,950,974, plus strand): 5'-AATTTGCTGCAAAACGAAGGTGGACTTGCAGCAAACCAAAACCTAGCACCATGCTTCGAG[A>T]GGCAGTTATGGCCACCTCTGATAAACTGATGCTGGAGCCCCCGTCTGCATATCCCATCAC-3'
Protein context (NP_056374.2, residues 535-555): SKPKPSTMLR[Glu545Val]AVMATSDKLM

ClinVar aggregate classification (germline): Uncertain significance (1 of 4 stars; one submission).

Submission:

Greenwood Genetic Center Diagnostic Laboratories, Greenwood Genetic Center
Classification: Uncertain significance. Last evaluated: 2023-10-13. Review status: criteria provided, single submitter. Criteria: ACMG Guidelines, 2015. Collection method: clinical testing. Allele origin: germline. Affected: yes.
Comment: PM2